The following is an entry in ClinVar:

ClinVar aggregate classification (germline): Uncertain significance (1 of 4 stars; one submission).

Allele frequency attached by ClinVar (database versions not stated): gnomAD exomes 0.00001; TOPMed 0.00001; gnomAD 0.00002.
gnomAD v4.1: 24 of 1,613,752 alleles (0.0015%); highest among the groups gnomAD compares: Non-Finnish European, 0.0018%; no homozygotes.

Submission:

Labcorp Genetics (formerly Invitae), Labcorp
Classification: Uncertain significance. Last evaluated: 2024-01-02. Review status: criteria provided, single submitter. Criteria: Invitae Variant Classification Sherloc (09022015). Collection method: clinical testing. Allele origin: germline.
Comment: This sequence change replaces glutamic acid, which is acidic and polar, with lysine, which is basic and polar, at codon 755 of the BSN protein (p.Glu755Lys). This variant is present in population databases (no rsID available, gnomAD 0.01%). This variant has not been reported in the literature in individuals affected with BSN-related conditions. Algorithms developed to predict the effect of missense changes on protein structure and function output the following: SIFT: "Not Available"; PolyPhen-2: "Not Available"; Align-GVGD: "Not Available". The lysine amino acid residue is found in multiple mammalian species, which suggests that this missense change does not adversely affect protein function. In summary, the available evidence is currently insufficient to determine the role of this variant in disease. Therefore, it has been classified as a Variant of Uncertain Significance.

NM_003458.4(BSN):c.2263G>A (p.Glu755Lys)

Gene: BSN (bassoon presynaptic cytomatrix protein; plus strand). Cytogenetic location: 3p21.31.
Variant type: single nucleotide variant.
Coding change: c.2263G>A on transcript NM_003458.4 (MANE Select); coding-DNA position 2263, G replaced by A.
Protein change: p.Glu755Lys; replaces glutamic acid 755 with lysine.
Molecular consequence: missense variant.
Genome position (GRCh38, 1-based): chr3:49,651,819, G>A. VCF-style: chr3-49651819-G-A. GRCh37 (hg19) VCF-style: chr3-49689252-G-A.
Other names: short protein forms E755K.
Identifiers: ClinVar variation 2707010 (VCV002707010.3), dbSNP rs977844076, ClinGen allele CA74532834.